The following is an entry in ClinVar:

ClinVar aggregate classification (germline): Uncertain significance (1 of 4 stars; one submission).

Conditions:
Myofibrillar myopathy 5. Also called: Filaminopathy (type); FILAMINOPATHY, AUTOSOMAL DOMINANT. Identifiers: Orphanet 171445, MedGen C1836050, MONDO:0012289, OMIM 609524.
Hypertrophic cardiomyopathy 26. Also called: Cardiomyopathy, familial hypertrophic, 26. Identifiers: Orphanet 75249, MedGen C4310749, MONDO:0014883, OMIM 617047.
Distal myopathy with posterior leg and anterior hand involvement. Also called: WILLIAMS DISTAL MYOPATHY. Identifiers: Orphanet 63273, MedGen C3279722, MONDO:0013550, OMIM 614065.

Submission:

Labcorp Genetics (formerly Invitae), Labcorp
Classification: Uncertain significance for Distal myopathy with posterior leg and anterior hand involvement; Myofibrillar myopathy 5; Hypertrophic cardiomyopathy 26. Last evaluated: 2023-09-01. Review status: criteria provided, single submitter. Criteria: Invitae Variant Classification Sherloc (09022015). Collection method: clinical testing. Allele origin: germline.
Comment: In summary, the available evidence is currently insufficient to determine the role of this variant in disease. Therefore, it has been classified as a Variant of Uncertain Significance. An algorithm developed to predict the effect of missense changes on protein structure and function (PolyPhen-2) suggests that this variant is likely to be disruptive. This variant has not been reported in the literature in individuals affected with FLNC-related conditions. This variant is not present in population databases (gnomAD no frequency). This sequence change replaces serine, which is neutral and polar, with cysteine, which is neutral and slightly polar, at codon 2620 of the FLNC protein (p.Ser2620Cys).

NM_001458.5(FLNC):c.7858A>T (p.Ser2620Cys)

Genes: FLNC-AS1 (FLNC antisense RNA 1; minus strand), FLNC (filamin C; plus strand). Cytogenetic location: 7q32.1.
Variant type: single nucleotide variant.
Coding change: c.7858A>T on transcript NM_001458.5 (MANE Select); coding-DNA position 7858, A replaced by T.
Protein change: p.Ser2620Cys; replaces serine 2620 with cysteine.
Molecular consequence: missense variant.
Genome position (GRCh38, 1-based): chr7:128,858,085, A>T. VCF-style: chr7-128858085-A-T. GRCh37 (hg19) VCF-style: chr7-128498139-A-T.
Other names: c.7759A>T, p.Ser2587Cys (NM_001127487.2); short protein forms S2587C, S2620C.
Identifiers: ClinVar variation 2946052 (VCV002946052.3), dbSNP rs2536672911, ClinGen allele CA369220220.